The following is an entry in ClinVar:

NM_002474.3(MYH11):c.4358T>A (p.Phe1453Tyr)

Genes: MYH11 (myosin heavy chain 11; minus strand), NDE1 (nudE neurodevelopment protein 1; plus strand). Cytogenetic location: 16p13.11.
Variant type: single nucleotide variant.
Coding change: c.4358T>A on transcript NM_002474.3 (MANE Select); coding-DNA position 4358, T replaced by A.
Protein change: p.Phe1453Tyr; replaces phenylalanine 1453 with tyrosine.
Molecular consequence: missense variant. On other transcripts: intron variant (2).
Genome position (GRCh38, 1-based): chr16:15,724,168, A>T on the plus strand (T>A on the coding strand, the complement: MYH11 is on the minus strand). VCF-style: chr16-15724168-A-T. GRCh37 (hg19) VCF-style: chr16-15818025-A-T.
Other names: c.4379T>A, p.Phe1460Tyr (NM_001040113.2, NM_001040114.2); c.4358T>A, p.Phe1453Tyr (NM_022844.3); c.948-23A>T (NM_001143979.2, NM_017668.3); short protein forms F1453Y, F1460Y.
Identifiers: ClinVar variation 4759006 (VCV004759006.1).

ClinVar aggregate classification (germline): Uncertain significance (1 of 4 stars; one submission).

Conditions:
Familial thoracic aortic aneurysm and aortic dissection (TAAD). Also called: Thoracic aortic aneurysms and dissections. Identifiers: Orphanet 91387, MedGen C4707243, MONDO:0019625.

Submission:

Color Diagnostics, LLC DBA Color Health
Classification: Uncertain significance for Familial thoracic aortic aneurysm and aortic dissection. Last evaluated: 2025-07-20. Review status: criteria provided, single submitter. Criteria: ACMG Guidelines, 2015. Collection method: clinical testing. Allele origin: germline.
Comment: This missense variant replaces phenylalanine with tyrosine at codon 1460 of the MYH11 protein. Computational prediction suggests that this variant may have deleterious impact on protein structure and function. To our knowledge, functional studies have not been reported for this variant. This variant has not been reported in individuals affected with MYH11-related disorders in the literature. This variant has not been identified in the general population by the Genome Aggregation Database (gnomAD). The available evidence is insufficient to determine the role of this variant in disease conclusively. Therefore, this variant is classified as a Variant of Uncertain Significance.